The following is an entry in ClinVar:

ClinVar aggregate classification (germline): Conflicting classifications of pathogenicity. Review status: criteria provided, conflicting classifications (1 of 4 stars). 6 submissions from 6 submitters: Uncertain significance (5); Likely benign (1). Last evaluated 2021-08-19.

Conditions:
Cardiovascular phenotype. Identifiers: MedGen CN230736.
Dilated cardiomyopathy 1G (CMD1G). Identifiers: Orphanet 154, MedGen C1858763, MONDO:0011400, OMIM 604145.
Autosomal recessive limb-girdle muscular dystrophy type 2J (LGMDR10). Also called: MUSCULAR DYSTROPHY, LIMB-GIRDLE, AUTOSOMAL RECESSIVE 10; Limb-girdle muscular dystrophy, type 2J. Identifiers: Orphanet 140922, MedGen C1837342, MONDO:0012127, OMIM 608807.
Myopathy, myofibrillar, 9, with early respiratory failure (MFM9). Also called: EDSTROM MYOPATHY; MYOPATHY, PROXIMAL, WITH EARLY RESPIRATORY MUSCLE INVOLVEMENT; Myopathy, distal, with early respiratory failure, autosomal dominant; Hereditary myopathy with early respiratory failure. Identifiers: Orphanet 178464, Orphanet 34521, MedGen C1863599, MONDO:0011362, OMIM 603689.
Early-onset myopathy with fatal cardiomyopathy (CMYO5). Also called: CONGENITAL MYOPATHY 5 WITH CARDIOMYOPATHY; Salih Myopathy. Identifiers: Orphanet 289377, MedGen C2673677, MONDO:0012714, OMIM 611705. Disease mechanism: loss of function.
Hypertrophic cardiomyopathy 9. Also called: Familial hypertrophic cardiomyopathy 9. Identifiers: MedGen C1861065, MONDO:0013412, OMIM 613765.
Tibial muscular dystrophy (TMD). Also called: UDD MYOPATHY; Tibial muscular dystrophy, tardive; Udd Distal Myopathy – Tibial Muscular Dystrophy. Identifiers: Orphanet 609, MedGen C1838244, MONDO:0010870, OMIM 600334.

Allele frequency attached by ClinVar (database versions not stated): ExAC 0.00002; gnomAD 0.00002; gnomAD exomes 0.00002 and 0.00003; TOPMed 0.00003.
gnomAD v4.1: 37 of 1,613,614 alleles (0.0023%); highest among the groups gnomAD compares: South Asian, 0.013%; no homozygotes.

Submissions (6):

Fulgent Genetics
Classification: Uncertain significance for Tibial muscular dystrophy; Myopathy, myofibrillar, 9, with early respiratory failure; Dilated cardiomyopathy 1G; Autosomal recessive limb-girdle muscular dystrophy type 2J; Early-onset myopathy with fatal cardiomyopathy; Hypertrophic cardiomyopathy 9. Last evaluated: 2021-08-19. Review status: criteria provided, single submitter. Criteria: ACMG Guidelines, 2015. Collection method: clinical testing. Allele origin: unknown.

Ambry Genetics
Classification: Likely benign for Cardiovascular phenotype. Last evaluated: 2020-03-06. Review status: criteria provided, single submitter. Criteria: Ambry Variant Classification Scheme 2023. Collection method: clinical testing. Allele origin: germline.

Revvity Omics, Revvity
Classification: Uncertain significance. Last evaluated: 2019-10-10. Review status: criteria provided, single submitter. Criteria: ACMG Guidelines, 2015. Collection method: clinical testing. Allele origin: germline.

Eurofins Ntd Llc (ga)
Classification: Uncertain significance. Last evaluated: 2018-07-19. Review status: criteria provided, single submitter. Criteria: EGL ClinVar v180209 classification definitions. Collection method: clinical testing. Allele origin: germline. Observed: 1 variant allele, 1 heterozygote.

Labcorp Genetics (formerly Invitae), Labcorp
Classification: Uncertain significance for Dilated cardiomyopathy 1G; Autosomal recessive limb-girdle muscular dystrophy type 2J. Last evaluated: 2017-12-08. Review status: criteria provided, single submitter. Criteria: Invitae Variant Classification Sherloc (09022015). Collection method: clinical testing. Allele origin: germline.

GeneDx
Classification: Uncertain significance. Last evaluated: 2015-12-16. Review status: criteria provided, single submitter. Criteria: GeneDx Variant Classification (06012015). Collection method: clinical testing. Allele origin: germline. Affected: yes.
Comment: Missense variants in the TTN gene are considered 'unclassified' if they are not previously reported in the literature and do not have >1% frequency in the population to be considered a polymorphism. Research indicates that truncating mutations in the TTN gene are expected to account for approximately 25% of familial and 18% of sporadic idiopathic DCM; however, truncating variants in the TTN gene have been reported in approximately 3% of reported control alleles. There has been little investigation into non-truncating variants. (Herman D et al. Truncations of titin causing dilated cardiomyopathy. N Eng J Med 366:619-628, 2012) The variant is found in DCM panel(s).

NM_001267550.2(TTN):c.82582C>T (p.Arg27528Trp)

Genes: TTN-AS1 (TTN antisense RNA 1; plus strand), TTN (titin; minus strand). Cytogenetic location: 2q31.2.
Variant type: single nucleotide variant.
Coding change: c.82582C>T on transcript NM_001267550.2 (MANE Select); coding-DNA position 82582, C replaced by T.
Protein change: p.Arg27528Trp; replaces arginine 27528 with tryptophan.
Molecular consequence: missense variant.
Genome position (GRCh38, 1-based): chr2:178,563,550, G>A on the plus strand (C>T on the coding strand, the complement: TTN is on the minus strand). VCF-style: chr2-178563550-G-A. GRCh37 (hg19) VCF-style: chr2-179428277-G-A.
Other names: p.R25887W:CGG>TGG; c.77659C>T, p.Arg25887Trp (NM_001256850.1); c.55387C>T, p.Arg18463Trp (NM_003319.4); c.74878C>T, p.Arg24960Trp (NM_133378.4); c.55762C>T, p.Arg18588Trp (NM_133432.3); c.55963C>T, p.Arg18655Trp (NM_133437.4); short protein forms R25887W, R27528W, R24960W, R18655W, R18588W, R18463W.
Identifiers: ClinVar variation 202913 (VCV000202913.14), dbSNP rs749852593, ClinGen allele CA310671.